The following is an entry in ClinVar:

NM_024417.5(FDXR):c.1208C>T (p.Pro403Leu)

Gene: FDXR (ferredoxin reductase; minus strand). Cytogenetic location: 17q25.1.
Variant type: single nucleotide variant.
Coding change: c.1208C>T on transcript NM_024417.5 (MANE Select); coding-DNA position 1208, C replaced by T.
Protein change: p.Pro403Leu; replaces proline 403 with leucine.
Molecular consequence: missense variant. On other transcripts: non-coding transcript variant (1).
Genome position (GRCh38, 1-based): chr17:74,863,213, G>A on the plus strand (C>T on the coding strand, the complement: FDXR is on the minus strand). VCF-style: chr17-74863213-G-A. GRCh37 (hg19) VCF-style: chr17-72859335-G-A.
Other names: c.1337C>T, p.Pro446Leu (NM_001258012.4); c.1301C>T, p.Pro434Leu (NM_001258013.4); c.1184C>T, p.Pro395Leu (NM_001258014.4); c.1088C>T, p.Pro363Leu (NM_001258015.3); c.1052C>T, p.Pro351Leu (NM_001258016.3); c.1226C>T, p.Pro409Leu (NM_004110.6); short protein forms P351L, P363L, P395L, P403L, P409L, P434L, P446L.
Identifiers: ClinVar variation 1217114 (VCV001217114.4), dbSNP rs751848355, ClinGen allele CA8752875.

ClinVar aggregate classification (germline): Likely pathogenic (1 of 4 stars; one submission).

Allele frequency attached by ClinVar (database versions not stated): ExAC 0.00001; gnomAD exomes 0.00001; TOPMed 0.00001.
gnomAD v4.1: 7 of 1,613,498 alleles (0.00043%); highest among the groups gnomAD compares: Non-Finnish European, 0.00059%; no homozygotes.

Submission:

GeneDx
Classification: Likely pathogenic. Last evaluated: 2024-08-08. Review status: criteria provided, single submitter. Criteria: GeneDx Variant Classification Process June 2021. Collection method: clinical testing. Allele origin: germline. Affected: yes.
Comment: Not observed at significant frequency in large population cohorts (gnomAD); In silico analysis supports that this missense variant has a deleterious effect on protein structure/function; This variant is associated with the following publications: (PMID: 29554255, 29040572, 33348459, Campbell2024[article])